The following is an entry in ClinVar:

ClinVar aggregate classification (germline): Likely benign (1 of 4 stars; one submission).

gnomAD v4.1: 374 of 1,613,944 alleles (0.023%); highest among the groups gnomAD compares: Middle Eastern, 0.066%; 2 homozygotes.

Submission:

CeGaT Center for Human Genetics Tuebingen
Classification: Likely benign. Last evaluated: 2025-01-01. Review status: criteria provided, single submitter. Criteria: CeGaT Center For Human Genetics Tuebingen Variant Classification Criteria Version 2. Collection method: clinical testing. Allele origin: germline. Affected: yes. Observed: 1 variant allele.
Comment: ATP2B4: BP4, BS2

NM_001684.5(ATP2B4):c.3346G>A (p.Glu1116Lys)

Gene: ATP2B4 (ATPase plasma membrane Ca2+ transporting 4; plus strand). Cytogenetic location: 1q32.1.
Variant type: single nucleotide variant.
Coding change: c.3346G>A on transcript NM_001684.5 (MANE Select); coding-DNA position 3346, G replaced by A.
Protein change: p.Glu1116Lys; replaces glutamic acid 1116 with lysine.
Molecular consequence: missense variant. On other transcripts: 3 prime UTR variant (1).
Genome position (GRCh38, 1-based): chr1:203,739,582, G>A. VCF-style: chr1-203739582-G-A. GRCh37 (hg19) VCF-style: chr1-203708710-G-A.
Other names: c.*11G>A (NM_001001396.3); short protein forms E1116K.
Identifiers: ClinVar variation 3770709 (VCV003770709.13).